The following is an entry in ClinVar:

NM_001267550.2(TTN):c.4749_4754del (p.1582NP[1])

Genes: TTN (titin; minus strand), LOC101927055 (uncharacterized LOC101927055; plus strand). Cytogenetic location: 2q31.2.
Variant type: Deletion.
Coding change: c.4749_4754del on transcript NM_001267550.2 (MANE Select); coding-DNA positions 4749 to 4754, 6 bases deleted (CAACCC; older notation c.4749_4754delCAACCC).
Protein change: p.1582NP[1].
Molecular consequence: inframe deletion. On other transcripts: non-coding transcript variant (1).
Genome position (GRCh38, 1-based): chr2:178,777,209-178,777,214, GGGTTG deleted on the plus strand (CAACCC on the coding strand, the reverse complement: TTN is on the minus strand); deleting any 6 consecutive bases within chr2:178,777,209-178,777,219 gives the same sequence; the c. name uses the placement nearest the transcript's 3' end. VCF-style (leftmost placement, unchanged base first): chr2-178777208-AGGGTTG-A. GRCh37 (hg19) VCF-style: chr2-179641935-AGGGTTG-A.
Other names: c.4611_4616delCAACCC (NM_003319.4); c.4749_4754del, p.1582NP[1] (NM_001256850.1, NM_133378.4, NM_133379.5); c.4611_4616del, p.1536NP[1] (NM_003319.4, NM_133432.3, NM_133437.4).
Identifiers: ClinVar variation 518730 (VCV000518730.6), dbSNP rs1242020329, ClinGen allele CA538438302.
Genomic context (GRCh38, chr2:178,777,208, plus strand): 5'-CCTGATTTTGGGATATTTATGAGGCACAATGATGTCACTGTTTTTCAACCATACAATGTC[AGGGTTG>A]GGGTTACCCGTAGCTCTGACTTTCATTTCAAGTCGGGAACCTTCCTTTATATTGACATTT-3'

ClinVar aggregate classification (germline): Uncertain significance (1 of 4 stars; one submission).

Conditions:
Cardiovascular phenotype. Identifiers: MedGen CN230736.

Submission:

Ambry Genetics
Classification: Uncertain significance for Cardiovascular phenotype. Last evaluated: 2025-06-30. Review status: criteria provided, single submitter. Criteria: Ambry Variant Classification Scheme 2023. Collection method: clinical testing. Allele origin: germline.
Comment: The c.4611_4616delCAACCC variant (also known as p.N1538_P1539del) is located in coding exon 25 of the TTN gene. This variant results from an in-frame deletion of six nucleotides (CAACCC) at positions 4611 to 4616. This results in the deletion of two amino acids (asparagine and proline) between codons 1538 and 1539. These amino acid positions are well conserved in available vertebrate species. In addition, this variant is predicted to be deleterious by in silico analysis (Choi Y et al. PLoS ONE. 2012; 7(10):e46688). Since supporting evidence is limited at this time, the clinical significance of this alteration remains unclear.